The following is an entry in ClinVar:

ClinVar aggregate classification (germline): Uncertain significance (1 of 4 stars; one submission).

Conditions:
Inborn genetic diseases. Identifiers: MedGen C0950123, MeSH D030342.

Submission:

Ambry Genetics
Classification: Uncertain significance for Inborn genetic diseases. Last evaluated: 2023-03-04. Review status: criteria provided, single submitter. Criteria: Ambry Variant Classification Scheme 2023. Collection method: clinical testing. Allele origin: germline.
Comment: The p.S966P variant (also known as c.2896T>C), located in coding exon 23 of the LRRK2 gene, results from a T to C substitution at nucleotide position 2896. The serine at codon 966 is replaced by proline, an amino acid with similar properties. This amino acid position is conserved. In addition, this alteration is predicted to be tolerated by in silico analysis. Since supporting evidence is limited at this time, the clinical significance of this alteration remains unclear.

NM_198578.4(LRRK2):c.2896T>C (p.Ser966Pro)

Gene: LRRK2 (leucine rich repeat kinase 2; plus strand). Cytogenetic location: 12q12.
Variant type: single nucleotide variant.
Coding change: c.2896T>C on transcript NM_198578.4 (MANE Select); coding-DNA position 2896, T replaced by C.
Protein change: p.Ser966Pro; replaces serine 966 with proline.
Molecular consequence: missense variant.
Genome position (GRCh38, 1-based): chr12:40,295,444, T>C. VCF-style: chr12-40295444-T-C. GRCh37 (hg19) VCF-style: chr12-40689246-T-C.
Other names: short protein forms S966P.
Identifiers: ClinVar variation 2453139 (VCV002453139.2), dbSNP rs1280692669, ClinGen allele CA384412442.